The following is an entry in ClinVar:

ClinVar aggregate classification (germline): Uncertain significance (1 of 4 stars; one submission).

gnomAD v4.1: 1 of 1,614,024 alleles (0.000062%); highest among the groups gnomAD compares: African/African-American, 0.0013%; no homozygotes.

Submission:

CeGaT Center for Human Genetics Tuebingen
Classification: Uncertain significance. Last evaluated: 2025-07-01. Review status: criteria provided, single submitter. Criteria: CeGaT Center For Human Genetics Tuebingen Variant Classification Criteria Version 2. Collection method: clinical testing. Allele origin: germline. Affected: yes. Observed: 1 variant allele.
Comment: ANGPT2: PM2

NM_001118887.2(ANGPT2):c.338A>T (p.Gln113Leu)

Genes: ANGPT2 (angiopoietin 2; minus strand), MCPH1 (microcephalin 1; plus strand). Cytogenetic location: 8p23.1.
Variant type: single nucleotide variant.
Coding change: c.338A>T on transcript NM_001118887.2 (MANE Select); coding-DNA position 338, A replaced by T.
Protein change: p.Gln113Leu; replaces glutamine 113 with leucine.
Molecular consequence: missense variant. On other transcripts: intron variant (8).
Genome position (GRCh38, 1-based): chr8:6,532,438, T>A on the plus strand (A>T on the coding strand, the complement: ANGPT2 is on the minus strand). VCF-style: chr8-6532438-T-A. GRCh37 (hg19) VCF-style: chr8-6389959-T-A.
Other names: c.338A>T, p.Gln113Leu (NM_001147.3, NM_001386336.1, NM_001386337.1); c.2214+32509T>A (NM_001322042.2, NM_024596.5, NM_001363979.1 and 1 more transcripts); c.1935+77186T>A (NM_001363980.2); c.2215-13024T>A (NM_001410916.1); c.289-4762A>T (NM_001386335.1, NM_001118888.2); short protein forms Q113L.
Identifiers: ClinVar variation 4085482 (VCV004085482.8).
Genomic context (GRCh38, chr8:6,532,438, plus strand): 5'-TTCAACAGGTTTGTCCCTATTTCTATCATCACAGCCGTCTGGTTCTGTACTGCATTCTGC[T>A]GTATCTCTACCATTTCTTTCTTCATGTTGTCCTGGATATAATTCTCAAGCTAGAAAAGAA-3'
Protein context (NP_001112359.1, residues 103-123): DNMKKEMVEI[Gln113Leu]QNAVQNQTAV